The following is an entry in ClinVar:

ClinVar aggregate classification (germline): Pathogenic (1 of 4 stars; one submission).

Conditions:
Mucopolysaccharidosis, MPS-III-A (MPS3A). Also called: Mucopolysaccharidosis type IIIA (Sanfilippo A); Mucopolysaccharidosis, type IIIA; mucopolysaccharidosis type 3A; MPS IIIA (Sanfilippo Syndrome Type A); HEPARAN SULFATE SULFATASE DEFICIENCY; SANFILIPPO SYNDROME A. Identifiers: Orphanet 581, Orphanet 79269, MedGen C0086647, MONDO:0009655, OMIM 252900.

Submission:

Labcorp Genetics (formerly Invitae), Labcorp
Classification: Pathogenic for Mucopolysaccharidosis, MPS-III-A. Last evaluated: 2023-02-14. Review status: criteria provided, single submitter. Criteria: Invitae Variant Classification Sherloc (09022015). Collection method: clinical testing. Allele origin: germline.
Comment: Experimental studies and prediction algorithms are not available or were not evaluated, and the functional significance of this variant is currently unknown. This variant, c.178_234del, results in the deletion of 19 amino acid(s) of the SGSH protein (p.Phe60_Leu78del), but otherwise preserves the integrity of the reading frame. This variant is not present in population databases (gnomAD no frequency). This variant has not been reported in the literature in individuals affected with SGSH-related conditions. This variant disrupts a region of the SGSH protein in which other variant(s) (p.Arg74Cys) have been determined to be pathogenic (PMID: 9285796, 9401012, 22976768, 28844463). This suggests that this is a clinically significant region of the protein, and that variants that disrupt it are likely to be disease-causing. For these reasons, this variant has been classified as Pathogenic.

Literature cited by the submitters: PubMed 9285796; PubMed 9401012; PubMed 22976768; PubMed 28844463.

NM_000199.5(SGSH):c.178_234del (p.Phe60_Leu78del)

Gene: SGSH (N-sulfoglucosamine sulfohydrolase; minus strand). Cytogenetic location: 17q25.3.
Variant type: Deletion.
Coding change: c.178_234del on transcript NM_000199.5 (MANE Select); coding-DNA positions 178 to 234, 57 bases deleted.
Protein change: p.Phe60_Leu78del.
Molecular consequence: inframe deletion. On other transcripts: non-coding transcript variant (1).
Genome position (GRCh38, 1-based): chr17:80,217,047-80,217,103, 57 bases deleted. GRCh37 (hg19): chr17:78,190,856-78,190,912.
Other names: c.178_234del, p.Phe60_Leu78del (NM_001352921.3, NM_001352922.2).
Identifiers: ClinVar variation 2837119 (VCV002837119.3), dbSNP rs2510909196, ClinGen allele CA2739268499.